The following is an entry in ClinVar:

NM_000069.3(CACNA1S):c.4171T>A (p.Trp1391Arg)

Gene: CACNA1S (calcium voltage-gated channel subunit alpha1 S; minus strand). Cytogenetic location: 1q32.1.
Variant type: single nucleotide variant.
Coding change: c.4171T>A on transcript NM_000069.3 (MANE Select); coding-DNA position 4171, T replaced by A.
Protein change: p.Trp1391Arg; replaces tryptophan 1391 with arginine.
Molecular consequence: missense variant.
Genome position (GRCh38, 1-based): chr1:201,050,459, A>T on the plus strand (T>A on the coding strand, the complement: CACNA1S is on the minus strand). VCF-style: chr1-201050459-A-T. GRCh37 (hg19) VCF-style: chr1-201019587-A-T.
Other names: c.4171T>A (NM_000069.2); short protein forms W1391R.
Identifiers: ClinVar variation 1447804 (VCV001447804.8), dbSNP rs200062688, ClinGen allele CA344148507.

ClinVar aggregate classification (germline): Uncertain significance. Review status: criteria provided, multiple submitters, no conflicts (2 of 4 stars). 3 submissions from 3 submitters: Uncertain significance (3). Last evaluated 2025-08-04.

Conditions:
Inborn genetic diseases. Identifiers: MedGen C0950123, MeSH D030342.
Hypokalemic periodic paralysis, type 1. Also called: Hypokalemic Periodic Paralysis Type 1 (AD); HypoPP. Identifiers: Orphanet 681, MedGen C3714580, MONDO:0042979, OMIM 170400.
Malignant hyperthermia, susceptibility to, 5 (MHS5). Also called: CACNA1S-Related Malignant Hyperthermia Susceptibility. Identifiers: Orphanet 423, MedGen C1866077, MONDO:0011163, OMIM 601887.
Thyrotoxic periodic paralysis, susceptibility to, 1 (TTPP1). Identifiers: Orphanet 79102, MedGen C2749982, MONDO:0008570, OMIM 188580.
Congenital myopathy 18. Also called: Myopathy, congenital, due to dihydropyridine receptor defect; DHPR CONGENITAL MYOPATHY; DIHYDROPYRIDINE RECEPTOR CONGENITAL MYOPATHY. Identifiers: MedGen C5830283, MONDO:0859514, OMIM 620246.

Allele frequency attached by ClinVar (database versions not stated): TOPMed 0.00001.

Submissions (3):

Ambry Genetics
Classification: Uncertain significance for Inborn genetic diseases. Last evaluated: 2025-08-04. Review status: criteria provided, single submitter. Criteria: Ambry Variant Classification Scheme 2023. Collection method: clinical testing. Allele origin: germline.

Labcorp Genetics (formerly Invitae), Labcorp
Classification: Uncertain significance for Hypokalemic periodic paralysis, type 1; Malignant hyperthermia, susceptibility to, 5. Last evaluated: 2025-03-31. Review status: criteria provided, single submitter. Criteria: Invitae Variant Classification Sherloc (09022015). Collection method: clinical testing. Allele origin: germline.
Comment: This sequence change replaces tryptophan, which is neutral and slightly polar, with arginine, which is basic and polar, at codon 1391 of the CACNA1S protein (p.Trp1391Arg). This variant is not present in population databases (gnomAD no frequency). This variant has not been reported in the literature in individuals affected with CACNA1S-related conditions. ClinVar contains an entry for this variant (Variation ID: 1447804). Invitae Evidence Modeling of protein sequence and biophysical properties (such as structural, functional, and spatial information, amino acid conservation, physicochemical variation, residue mobility, and thermodynamic stability) has been performed for this missense variant. However, the output from this modeling did not meet the statistical confidence thresholds required to predict the impact of this variant on CACNA1S protein function. In summary, the available evidence is currently insufficient to determine the role of this variant in disease. Therefore, it has been classified as a Variant of Uncertain Significance.

Fulgent Genetics
Classification: Uncertain significance for Hypokalemic periodic paralysis, type 1; Thyrotoxic periodic paralysis, susceptibility to, 1; Malignant hyperthermia, susceptibility to, 5; Congenital myopathy 18. Last evaluated: 2024-04-15. Review status: criteria provided, single submitter. Criteria: ACMG Guidelines, 2015. Collection method: clinical testing. Allele origin: germline.